The following is an entry in ClinVar:

ClinVar aggregate classification (germline): Uncertain significance (1 of 4 stars; one submission).

Conditions:
ACOX1-related disorder. Also called: ACOX1-related disorders; ACOX1-related condition.

gnomAD v4.1: 1 of 1,613,968 alleles (0.000062%); highest among the groups gnomAD compares: Admixed American, 0.0017%; no homozygotes.

Submission:

PreventionGenetics, part of Exact Sciences
Classification: Uncertain significance for ACOX1-related condition. Last evaluated: 2024-11-26. Review status: criteria provided, single submitter. Criteria: ACMG Guidelines, 2015. Collection method: clinical testing. Allele origin: germline.
Comment: The ACOX1 c.924C>G variant is predicted to result in the amino acid substitution p.His308Gln. To our knowledge, this variant has not been reported in the literature. This variant is reported in 0.0029% of alleles in individuals of Latino descent in gnomAD. At this time, the clinical significance of this variant is uncertain due to the absence of conclusive functional and genetic evidence.

NM_004035.7(ACOX1):c.924C>G (p.His308Gln)

Gene: ACOX1 (acyl-CoA oxidase 1; minus strand). Cytogenetic location: 17q25.1.
Variant type: single nucleotide variant.
Coding change: c.924C>G on transcript NM_004035.7 (MANE Select); coding-DNA position 924, C replaced by G.
Protein change: p.His308Gln; replaces histidine 308 with glutamine.
Molecular consequence: missense variant.
Genome position (GRCh38, 1-based): chr17:75,953,471, G>C on the plus strand (C>G on the coding strand, the complement: ACOX1 is on the minus strand). VCF-style: chr17-75953471-G-C. GRCh37 (hg19) VCF-style: chr17-73949552-G-C.
Other names: c.810C>G, p.His270Gln (NM_001185039.2); c.924C>G, p.His308Gln (NM_007292.6); short protein forms H308Q, H270Q.
Identifiers: ClinVar variation 4998766 (VCV004998766.1).
Genomic context (GRCh38, chr17:75,953,471, plus strand): 5'-AGGCCTTTGGTACTGAGCCCATCTAGGACCCTATCCTTACCCTGGCTTGATTTCAGACTG[G>C]TGCCTCACAGCGCTGTATCGGATGGCAATGGTGCACGCCTTAGACAGAGCCCGAGCAGCT-3'
Protein context (NP_004026.2, residues 298-318): TIAIRYSAVR[His308Gln]QSEIKPGEPE